The following is an entry in ClinVar:

ClinVar aggregate classification (germline): Pathogenic (1 of 4 stars; one submission).

Conditions:
USH2A-related disorder. Also called: USH2A-related condition; USH2A-related disorders. Identifiers: MedGen CN239332.

Submission:

Myriad Genetics, Inc.
Classification: Pathogenic for USH2A-related disorder. Last evaluated: 2023-09-02. Review status: criteria provided, single submitter. Criteria: Myriad Autosomal Dominant, Autosomal Recessive and X-Linked Classification Criteria (2023). Collection method: clinical testing. Allele origin: unknown.
Comment: NM_206933.2(USH2A):c.2398_2404del7(A800Pfs*54) is expected to be pathogenic in the context of USH2A-related disorders. This variant is predicted to lead to an abnormal or absent protein product due to the creation of a premature termination codon in USH2A, a gene where loss-of-function variants are known to be pathogenic. Please note: this variant was assessed in the context of healthy population screening.

NM_206933.4(USH2A):c.2398_2404del (p.Ala800fs)

Genes: USH2A (usherin; minus strand), LOC122152296 (Sharpr-MPRA regulatory region 8762; plus strand). Cytogenetic location: 1q41.
Variant type: Deletion.
Coding change: c.2398_2404del on transcript NM_206933.4 (MANE Select); coding-DNA positions 2398 to 2404, 7 bases deleted (GCTGGAT; older notation c.2398_2404delGCTGGAT).
Protein change: p.Ala800fs; shifts the reading frame from alanine 800.
Molecular consequence: frameshift variant.
Genome position (GRCh38, 1-based): chr1:216,246,990-216,246,996, ATCCAGC deleted on the plus strand (GCTGGAT on the coding strand, the reverse complement: USH2A is on the minus strand). VCF-style (leftmost placement, unchanged base first): chr1-216246989-GATCCAGC-G. GRCh37 (hg19) VCF-style: chr1-216420331-GATCCAGC-G.
Other names: c.2398_2404del, p.Ala800fs (NM_007123.6); short protein forms A800fs.
Identifiers: ClinVar variation 5011516 (VCV005011516.1).